The following is an entry in ClinVar:

ClinVar aggregate classification (germline): Uncertain significance (1 of 4 stars; one submission).

Allele frequency attached by ClinVar (database versions not stated): gnomAD exomes 0.00001 and 0.00005; gnomAD 0.00002 and 0.00003; ExAC 0.00003; TOPMed 0.00004.
gnomAD v4.1: 76 of 1,600,404 alleles (0.0047%); highest among the groups gnomAD compares: Non-Finnish European, 0.0064%; no homozygotes.

Submission:

GeneDx
Classification: Uncertain significance. Last evaluated: 2019-08-15. Review status: criteria provided, single submitter. Criteria: GeneDx Variant Classification Process June 2021. Collection method: clinical testing. Allele origin: germline. Affected: yes.
Comment: In silico analysis, which includes splice predictors and evolutionary conservation, supports a deleterious effect; Has not been previously published as pathogenic or benign to our knowledge

NM_207037.2(TCF12):c.1745+3A>G

Gene: TCF12 (transcription factor 12; plus strand). Cytogenetic location: 15q21.3.
Variant type: single nucleotide variant.
Coding change: c.1745+3A>G on transcript NM_207037.2 (MANE Select); 3 bases into the intron after coding-DNA position 1745, A replaced by G.
Molecular consequence: intron variant.
Genome position (GRCh38, 1-based): chr15:57,263,277, A>G. VCF-style: chr15-57263277-A-G. GRCh37 (hg19) VCF-style: chr15-57555475-A-G.
Other names: c.1745+3A>G (NM_001322151.2, NM_001322159.3, NM_001322152.2 and 2 more transcripts); c.1673+3A>G (NM_001322157.3, NM_003205.4, NM_207038.2 and 1 more transcripts); c.1571+3A>G (NM_001322156.2); c.1499+3A>G (NM_001322158.2); c.1088+3A>G (NM_001322154.2); c.1742+3A>G (NM_001322161.2); c.1709+3A>G (NM_001322164.2); c.1235+3A>G (NM_001306219.3); and 2 more.
Identifiers: ClinVar variation 1307803 (VCV001307803.2), dbSNP rs761406279, ClinGen allele CA7581346.
Genomic context (GRCh38, chr15:57,263,277, plus strand): 5'-AGTCAGATGATGAATCCTCCCAAAAAGATATCAAGGTTTCATCTAGAGGCAGAACAAGGT[A>G]TTTGTTAGCATCCAGGTTTTAAATTTTATTCATTTTCCATAGGTAAACATACTTGAGAAG-3'